The following is an entry in ClinVar:

NM_013319.3(UBIAD1):c.308C>T (p.Thr103Ile)

Gene: UBIAD1 (UbiA prenyltransferase domain containing 1; plus strand). Cytogenetic location: 1p36.22.
Variant type: single nucleotide variant.
Coding change: c.308C>T on transcript NM_013319.3 (MANE Select); coding-DNA position 308, C replaced by T.
Protein change: p.Thr103Ile; replaces threonine 103 with isoleucine.
Molecular consequence: missense variant.
Genome position (GRCh38, 1-based): chr1:11,273,839, C>T. VCF-style: chr1-11273839-C-T. GRCh37 (hg19) VCF-style: chr1-11333896-C-T.
Other names: c.308C>T, p.Thr103Ile (NM_001330349.2, NM_001330350.2); short protein forms T103I.
Identifiers: ClinVar variation 4746755 (VCV004746755.1).

ClinVar aggregate classification (germline): Pathogenic (1 of 4 stars; one submission).

Submission:

Labcorp Genetics (formerly Invitae), Labcorp
Classification: Pathogenic. Last evaluated: 2025-09-16. Review status: criteria provided, single submitter. Criteria: Invitae Variant Classification Sherloc (09022015). Collection method: clinical testing. Allele origin: germline.
Comment: This sequence change replaces threonine, which is neutral and polar, with isoleucine, which is neutral and non-polar, at codon 103 of the UBIAD1 protein (p.Thr103Ile). This variant is not present in population databases (gnomAD no frequency). This missense change has been observed in individual(s) with clinical features of Schnyder corneal dystrophy (PMID: 27382485, 30223810). In at least one individual the variant was observed to be de novo. Invitae Evidence Modeling of protein sequence and biophysical properties (such as structural, functional, and spatial information, amino acid conservation, physicochemical variation, residue mobility, and thermodynamic stability) indicates that this missense variant is expected to disrupt UBIAD1 protein function with a positive predictive value of 80%. For these reasons, this variant has been classified as Pathogenic.

Literature cited by the submitters: PubMed 27382485; PubMed 30223810.